The following is an entry in ClinVar:

ClinVar aggregate classification (germline): Uncertain significance (1 of 4 stars; one submission).

Conditions:
Syndromic X-linked intellectual disability Najm type (MICPCH). Also called: Intellectual Disability and Microcephaly with Pontine and Cerebellar Hypoplasia; Mental retardation and microcephaly with pontine and cerebellar hypoplasia; MENTAL RETARDATION, X-LINKED, SYNDROMIC, NAJM TYPE; Intellectual Disability and Microcephaly with Pontine and Cerebellar Hypoplasia (MICPCH); MICPCH SYNDROME; Intellectual developmental disorder and microcephaly with pontine and cerebellar hypoplasia. Identifiers: Orphanet 163937, MedGen C2677903, MONDO:0010417, OMIM 300749.

Submission:

Foundation for Research in Genetics and Endocrinology, FRIGE's Institute of Human Genetics
Classification: Uncertain significance for Syndromic X-linked intellectual disability Najm type. Last evaluated: 2023-08-24. Review status: criteria provided, single submitter. Criteria: ACMG Guidelines, 2015. Collection method: clinical testing. Allele origin: germline. Inheritance: X-linked dominant inheritance. Affected: yes. Observed: 1 heterozygote.
Comment: A heterozygous missense variant in exon 21 of the CASK gene that results in the amino acid substitution of Histidine for Glutamine at codon 647 (p.Gln647His) was detected. The p.Gln647His variant has not been reported in the 1000 genomes, gnomAD (v3.1), gnomdAD (v2) and topmed databases. The in silico predictions of the variant are probably damaging by PolyPhen-2 (HumDiv), and damaging by LRT and MutationTaster2. The reference codon is conserved across species. In summary, the variant meets our criteria to be classified as a variant of uncertain significance.

NM_001367721.1(CASK):c.1941G>C (p.Gln647His)

Gene: CASK (calcium/calmodulin dependent serine protein kinase; minus strand). Cytogenetic location: Xp11.4.
Variant type: single nucleotide variant.
Coding change: c.1941G>C on transcript NM_001367721.1 (MANE Select); coding-DNA position 1941, G replaced by C.
Protein change: p.Gln647His; replaces glutamine 647 with histidine.
Molecular consequence: missense variant.
Genome position (GRCh38, 1-based): chrX:41,553,817, C>G on the plus strand (G>C on the coding strand, the complement: CASK is on the minus strand). VCF-style: chrX-41553817-C-G. GRCh37 (hg19) VCF-style: chrX-41413070-C-G.
Other names: p.Gln647His; c.1872G>C, p.Gln624His (NM_001126054.3); c.1854G>C, p.Gln618His (NM_001126055.3); c.1923G>C, p.Gln641His (NM_001410745.1); c.1941G>C, p.Gln647His (NM_003688.4); short protein forms Q618H, Q624H, Q641H, Q647H.
Identifiers: ClinVar variation 2578339 (VCV002578339.2), dbSNP rs2519751827, ClinGen allele CA412992990.